The following is an entry in ClinVar:

ClinVar aggregate classification (germline): Conflicting classifications of pathogenicity. Review status: criteria provided, conflicting classifications (1 of 4 stars). 2 submissions from 2 submitters: Uncertain significance (1); Likely benign (1). Last evaluated 2022-06-02.

Allele frequency attached by ClinVar (database versions not stated): gnomAD exomes 0.00002; ExAC 0.00005.
gnomAD v4.1: 10 of 1,613,724 alleles (0.00062%); highest among the groups gnomAD compares: Admixed American, 0.0017%; no homozygotes.

Submissions (2):

GeneDx
Classification: Likely benign. Last evaluated: 2022-06-02. Review status: criteria provided, single submitter. Criteria: GeneDx Variant Classification Process June 2021. Collection method: clinical testing. Allele origin: germline. Affected: yes.
Comment: Missense variant in a gene in which most reported pathogenic variants are truncating/loss of function; In silico analysis supports that this variant does not alter splicing; Has not been previously published as pathogenic or benign to our knowledge; This variant is associated with the following publications: (PMID: 23975875)

Eurofins Ntd Llc (ga)
Classification: Uncertain significance. Last evaluated: 2015-07-15. Review status: criteria provided, single submitter. Criteria: EGL Classification Definitions 2015. Collection method: clinical testing. Allele origin: germline. Observed: 1 variant allele, 1 heterozygote.

NM_001267550.2(TTN):c.26557G>C (p.Val8853Leu)

Gene: TTN (titin; minus strand). Cytogenetic location: 2q31.2.
Variant type: single nucleotide variant.
Coding change: c.26557G>C on transcript NM_001267550.2 (MANE Select); coding-DNA position 26557, G replaced by C.
Protein change: p.Val8853Leu; replaces valine 8853 with leucine.
Molecular consequence: missense variant. On other transcripts: intron variant (3).
Genome position (GRCh38, 1-based): chr2:178,714,101, C>G on the plus strand (G>C on the coding strand, the complement: TTN is on the minus strand). VCF-style: chr2-178714101-C-G. GRCh37 (hg19) VCF-style: chr2-179578828-C-G.
Other names: p.V8536L:GTA>CTA; c.25606G>C, p.Val8536Leu (NM_001256850.1); c.22825G>C, p.Val7609Leu (NM_133378.4); c.13282+23981G>C (NM_003319.4); c.13858+23981G>C (NM_133437.4); c.13657+23981G>C (NM_133432.3); c.26557G>C (NM_001267550.1); short protein forms V8536L, V8853L, V7609L.
Identifiers: ClinVar variation 203347 (VCV000203347.9), dbSNP rs757381520, ClinGen allele CA312109.
Genomic context (GRCh38, chr2:178,714,101, plus strand): 5'-CACTTGTTAGCTCTTTTCCATCCTTAAACCACTTAGTACTGAGTTCAGGGGTGCCAGCTA[C>G]TGTACACTCCAAGGTACAGGTGTCTCCCGTGGTAACTTTTATGGATTCTGGCTTTTCTAC-3'
Protein context (NP_001254479.2, residues 8843-8863): TGDTCTLECT[Val8853Leu]AGTPELSTKW